The following is an entry in ClinVar:

NM_001374353.1(GLI2):c.643+16C>A

Gene: GLI2 (GLI family zinc finger 2; plus strand). Cytogenetic location: 2q14.2.
Variant type: single nucleotide variant.
Coding change: c.643+16C>A on transcript NM_001374353.1 (MANE Select); 16 bases into the intron after coding-DNA position 643, C replaced by A.
Molecular consequence: intron variant.
Genome position (GRCh38, 1-based): chr2:120,955,446, C>A. VCF-style: chr2-120955446-C-A. GRCh37 (hg19) VCF-style: chr2-121713022-C-A.
Other names: c.643+16C>A (NM_001371271.1, NM_005270.5); c.268+16C>A (NM_001374354.1).
Identifiers: ClinVar variation 2053167 (VCV002053167.5), dbSNP rs6718382, ClinGen allele CA1851601.

ClinVar aggregate classification (germline): Likely benign. Review status: criteria provided, multiple submitters, no conflicts (2 of 4 stars). 2 submissions from 2 submitters: Likely benign (2). Last evaluated 2024-08-14.

Conditions:
Holoprosencephaly 9 (HPE9). Also called: PITUITARY ANOMALIES WITH HOLOPROSENCEPHALY-LIKE FEATURES; HOLOPROSENCEPHALY WITH MICROPHTHALMIA AND FIRST BRANCHIAL ARCH ANOMALIES. Identifiers: Orphanet 2162, MedGen C1835819, MONDO:0012563, OMIM 610829.
Postaxial polydactyly-anterior pituitary anomalies-facial dysmorphism syndrome. Also called: Culler-Jones syndrome. Identifiers: Orphanet 420584, MedGen C4014479, MONDO:0014369, OMIM 615849.

Submissions (2):

Women's Health and Genetics/Laboratory Corporation of America, LabCorp
Classification: Likely benign. Last evaluated: 2024-08-14. Review status: criteria provided, single submitter. Criteria: LabCorp Variant Classification Summary - May 2015. Collection method: clinical testing. Allele origin: germline.
Comment: Variant summary: GLI2 c.643+16C>A alters a non-conserved nucleotide located at a position not widely known to affect splicing. Consensus agreement among computation tools predict no significant impact on normal splicing. However, these predictions have yet to be confirmed by functional studies. The variant allele was found at a frequency of 2.5e-05 in 200010 control chromosomes. The available data on variant occurrences in the general population are insufficient to allow any conclusion about variant significance. To our knowledge, no occurrence of c.643+16C>A in individuals affected with GLI2-Related Disorders and no experimental evidence demonstrating its impact on protein function have been reported. ClinVar contains an entry for this variant (Variation ID: 2053167). Based on the evidence outlined above, the variant was classified as likely benign.

Labcorp Genetics (formerly Invitae), Labcorp
Classification: Likely benign for Postaxial polydactyly-anterior pituitary anomalies-facial dysmorphism syndrome; Holoprosencephaly 9. Last evaluated: 2024-04-10. Review status: criteria provided, single submitter. Criteria: Invitae Variant Classification Sherloc (09022015). Collection method: clinical testing. Allele origin: germline.